The following is an entry in ClinVar:

ClinVar aggregate classification (germline): Uncertain significance (1 of 4 stars; one submission).

Submission:

GeneDx
Classification: Uncertain significance. Last evaluated: 2020-11-17. Review status: criteria provided, single submitter. Criteria: GeneDx Variant Classification Process June 2021. Collection method: clinical testing. Allele origin: germline. Affected: yes.
Comment: Not observed in large population cohorts (Lek et al., 2016); In silico analysis supports that this missense variant has a deleterious effect on protein structure/function; Has not been previously published as pathogenic or benign to our knowledge

NM_001673.5(ASNS):c.308A>C (p.His103Pro)

Genes: ASNS (asparagine synthetase (glutamine-hydrolyzing); minus strand), CZ1P-ASNS (CZ1P-ASNS readthrough; minus strand). Cytogenetic location: 7q21.3.
Variant type: single nucleotide variant.
Coding change: c.308A>C on transcript NM_001673.5 (MANE Select); coding-DNA position 308, A replaced by C.
Protein change: p.His103Pro; replaces histidine 103 with proline.
Molecular consequence: missense variant. On other transcripts: non-coding transcript variant (1).
Genome position (GRCh38, 1-based): chr7:97,864,438, T>G on the plus strand (A>C on the coding strand, the complement: ASNS is on the minus strand). VCF-style: chr7-97864438-T-G. GRCh37 (hg19) VCF-style: chr7-97493750-T-G.
Other names: c.245A>C, p.His82Pro (NM_001178075.2); c.59A>C, p.His20Pro (NM_001178076.2, NM_001178077.1); c.308A>C, p.His103Pro (NM_001352496.2, NM_133436.3, NM_183356.4); short protein forms H103P, H20P, H82P.
Identifiers: ClinVar variation 1313662 (VCV001313662.2), dbSNP rs2115710137, ClinGen allele CA368272376.